The following is an entry in ClinVar:

NM_000217.3(KCNA1):c.24C>G (p.Asn8Lys)

Genes: KCNA1 (potassium voltage-gated channel subfamily A member 1; plus strand), LOC130007218 (ATAC-STARR-seq lymphoblastoid silent region 4155; plus strand). Cytogenetic location: 12p13.32.
Variant type: single nucleotide variant.
Coding change: c.24C>G on transcript NM_000217.3 (MANE Select); coding-DNA position 24, C replaced by G.
Protein change: p.Asn8Lys; replaces asparagine 8 with lysine.
Molecular consequence: missense variant.
Genome position (GRCh38, 1-based): chr12:4,911,402, C>G. VCF-style: chr12-4911402-C-G. GRCh37 (hg19) VCF-style: chr12-5020568-C-G.
Other names: short protein forms N8K.
Identifiers: ClinVar variation 1360899 (VCV001360899.9), dbSNP rs1477627699, ClinGen allele CA383453633.
Genomic context (GRCh38, chr12:4,911,402, plus strand): 5'-CTCTCCTGGCCTCCCACCCCCGCGCCCGGCTTCCACCATGACGGTGATGTCTGGGGAGAA[C>G]GTGGACGAGGCTTCGGCCGCCCCGGGCCACCCCCAGGATGGCAGCTACCCCCGGCAGGCC-3'
Protein context (NP_000208.2, residues 1-18): MTVMSGE[Asn8Lys]VDEASAAPGH

ClinVar aggregate classification (germline): Uncertain significance. Review status: criteria provided, multiple submitters, no conflicts (2 of 4 stars). 2 submissions from 2 submitters: Uncertain significance (2). Last evaluated 2024-05-13.

Conditions:
Episodic ataxia type 1 (EA1). Also called: PAROXYSMAL ATAXIA WITH NEUROMYOTONIA, HEREDITARY; ATAXIA, EPISODIC, WITH MYOKYMIA; MYOKYMIA WITH PERIODIC ATAXIA; Episodic ataxia/myokymia syndrome. Identifiers: Orphanet 37612, Orphanet 972, MedGen C1719788, MONDO:0008047, OMIM 160120.

gnomAD v4.1: 3 of 1,612,882 alleles (0.00019%); highest among the groups gnomAD compares: Non-Finnish European, 0.00017%; no homozygotes.

Submissions (2):

Fulgent Genetics
Classification: Uncertain significance for Episodic ataxia type 1. Last evaluated: 2024-05-13. Review status: criteria provided, single submitter. Criteria: ACMG Guidelines, 2015. Collection method: clinical testing. Allele origin: germline.

Labcorp Genetics (formerly Invitae), Labcorp
Classification: Uncertain significance for Episodic ataxia type 1. Last evaluated: 2021-03-09. Review status: criteria provided, single submitter. Criteria: Invitae Variant Classification Sherloc (09022015). Collection method: clinical testing. Allele origin: germline.
Comment: This sequence change replaces asparagine with lysine at codon 8 of the KCNA1 protein (p.Asn8Lys). The asparagine residue is highly conserved and there is a moderate physicochemical difference between asparagine and lysine. This variant is not present in population databases (ExAC no frequency). This variant has not been reported in the literature in individuals with KCNA1-related conditions. Algorithms developed to predict the effect of missense changes on protein structure and function (SIFT, PolyPhen-2, Align-GVGD) all suggest that this variant is likely to be tolerated, but these predictions have not been confirmed by published functional studies and their clinical significance is uncertain. In summary, the available evidence is currently insufficient to determine the role of this variant in disease. Therefore, it has been classified as a Variant of Uncertain Significance.